The following is an entry in ClinVar:

NM_000179.3(MSH6):c.2324A>G (p.Lys775Arg)

Gene: MSH6 (mutS homolog 6; plus strand). Cytogenetic location: 2p16.3.
Variant type: single nucleotide variant.
Coding change: c.2324A>G on transcript NM_000179.3 (MANE Select); coding-DNA position 2324, A replaced by G.
Protein change: p.Lys775Arg; replaces lysine 775 with arginine.
Molecular consequence: missense variant. On other transcripts: non-coding transcript variant (5), intron variant (3).
Genome position (GRCh38, 1-based): chr2:47,800,307, A>G. VCF-style: chr2-47800307-A-G. GRCh37 (hg19) VCF-style: chr2-48027446-A-G.
Other names: c.1799A>G, p.Lys600Arg (NM_001406806.1, NM_001406807.1, NM_001406799.1); c.2324A>G, p.Lys775Arg (NM_001406808.1, NM_001406809.1, NM_001406796.1 and 2 more transcripts); c.1418A>G, p.Lys473Arg (NM_001406811.1, NM_001406812.1, NM_001406814.1 and 6 more transcripts); c.2330A>G, p.Lys777Arg (NM_001406813.1); c.1934A>G, p.Lys645Arg (NM_001281492.2); c.2420A>G, p.Lys807Arg (NM_001406795.1, NM_001406802.1); c.2027A>G, p.Lys676Arg (NM_001406797.1, NM_001406801.1, NM_001406805.1 and 10 more transcripts); c.2246A>G, p.Lys749Arg (NM_001406804.1); and 4 more; short protein forms K676R, K600R, K777R, K645R, K719R, K473R, K749R, K775R.
Identifiers: ClinVar variation 4841295 (VCV004841295.1).

ClinVar aggregate classification (germline): Uncertain significance (1 of 4 stars; one submission).

Conditions:
Hereditary cancer-predisposing syndrome. Also called: Neoplastic Syndromes, Hereditary; Tumor predisposition; Hereditary Cancer Syndrome; Hereditary neoplastic syndrome. Identifiers: Orphanet 140162, MedGen C0027672, MeSH D009386, MONDO:0015356.

gnomAD v4.1: 1 of 1,614,194 alleles (0.000062%); highest among the groups gnomAD compares: Non-Finnish European, 0.000085%; no homozygotes.

Submission:

Ambry Genetics
Classification: Uncertain significance for Hereditary cancer-predisposing syndrome. Last evaluated: 2025-12-21. Review status: criteria provided, single submitter. Criteria: Ambry Variant Classification Scheme 2023. Collection method: clinical testing. Allele origin: germline.
Comment: The p.K775R variant (also known as c.2324A>G), located in coding exon 4 of the MSH6 gene, results from an A to G substitution at nucleotide position 2324. The lysine at codon 775 is replaced by arginine, an amino acid with highly similar properties. This amino acid position is conserved. In addition, the in silico prediction for this alteration is inconclusive. Based on the available evidence, the clinical significance of this variant remains unclear.